The following is an entry in ClinVar:

NM_024675.4(PALB2):c.3032A>T (p.Glu1011Val)

Gene: PALB2 (partner and localizer of BRCA2; minus strand). Cytogenetic location: 16p12.2.
Variant type: single nucleotide variant.
Coding change: c.3032A>T on transcript NM_024675.4 (MANE Select); coding-DNA position 3032, A replaced by T.
Protein change: p.Glu1011Val; replaces glutamic acid 1011 with valine.
Molecular consequence: missense variant.
Genome position (GRCh38, 1-based): chr16:23,621,443, T>A on the plus strand (A>T on the coding strand, the complement: PALB2 is on the minus strand). VCF-style: chr16-23621443-T-A. GRCh37 (hg19) VCF-style: chr16-23632764-T-A.
Other names: short protein forms E1011V.
Identifiers: ClinVar variation 1343343 (VCV001343343.4), dbSNP rs1597079845, ClinGen allele CA395143077.

ClinVar aggregate classification (germline): Uncertain significance. Review status: criteria provided, multiple submitters, no conflicts (2 of 4 stars). 2 submissions from 2 submitters: Uncertain significance (2). Last evaluated 2024-01-02.

Conditions:
Hereditary cancer-predisposing syndrome. Also called: Neoplastic Syndromes, Hereditary; Tumor predisposition; Hereditary Cancer Syndrome; Hereditary neoplastic syndrome. Identifiers: Orphanet 140162, MedGen C0027672, MeSH D009386, MONDO:0015356.
Familial cancer of breast. Also called: Hereditary breast cancer; hereditary breast carcinoma; BREAST CANCER, FAMILIAL. Identifiers: Orphanet 227535, MedGen C0346153, MONDO:0016419, OMIM 114480. Disease mechanism: loss of function.

Submissions (2):

Color Diagnostics, LLC DBA Color Health
Classification: Uncertain significance for Hereditary cancer-predisposing syndrome. Last evaluated: 2024-01-02. Review status: criteria provided, single submitter. Criteria: ACMG Guidelines, 2015. Collection method: clinical testing. Allele origin: germline.
Comment: This missense variant replaces glutamic acid with valine at codon 1011 of the PALB2 protein. Computational prediction suggests that this variant may not impact protein structure and function (internally defined REVEL score threshold <= 0.5, PMID: 27666373). To our knowledge, functional studies have not been reported for this variant. This variant has not been reported in individuals affected with PALB2-related disorders in the literature. This variant has not been identified in the general population by the Genome Aggregation Database (gnomAD). The available evidence is insufficient to determine the role of this variant in disease conclusively. Therefore, this variant is classified as a Variant of Uncertain Significance.

Institute of Medical Genetics and Applied Genomics, University Hospital Tübingen
Classification: Uncertain significance for Familial cancer of breast. Last evaluated: 2022-03-10. Review status: criteria provided, single submitter. Criteria: ACMG Guidelines, 2015. Collection method: clinical testing. Allele origin: germline. Inheritance: Autosomal dominant inheritance. Affected: no.